The following is an entry in ClinVar:

ClinVar aggregate classification (germline): Uncertain significance (1 of 4 stars; one submission).

Conditions:
ANKRD1-related dilated cardiomyopathy. Identifiers: MedGen CN119551.

Submission:

Labcorp Genetics (formerly Invitae), Labcorp
Classification: Uncertain significance for ANKRD1-related dilated cardiomyopathy. Last evaluated: 2024-02-19. Review status: criteria provided, single submitter. Criteria: Invitae Variant Classification Sherloc (09022015). Collection method: clinical testing. Allele origin: germline.
Comment: This sequence change replaces histidine, which is basic and polar, with asparagine, which is neutral and polar, at codon 191 of the ANKRD1 protein (p.His191Asn). This variant is not present in population databases (gnomAD no frequency). This variant has not been reported in the literature in individuals affected with ANKRD1-related conditions. ClinVar contains an entry for this variant (Variation ID: 2119749). Advanced modeling of protein sequence and biophysical properties (such as structural, functional, and spatial information, amino acid conservation, physicochemical variation, residue mobility, and thermodynamic stability) has been performed at Invitae for this missense variant, however the output from this modeling did not meet the statistical confidence thresholds required to predict the impact of this variant on ANKRD1 protein function. In summary, the available evidence is currently insufficient to determine the role of this variant in disease. Therefore, it has been classified as a Variant of Uncertain Significance.

NM_014391.3(ANKRD1):c.571C>A (p.His191Asn)

Gene: ANKRD1 (ankyrin repeat domain 1; minus strand). Cytogenetic location: 10q23.31.
Variant type: single nucleotide variant.
Coding change: c.571C>A on transcript NM_014391.3 (MANE Select); coding-DNA position 571, C replaced by A.
Protein change: p.His191Asn; replaces histidine 191 with asparagine.
Molecular consequence: missense variant.
Genome position (GRCh38, 1-based): chr10:90,916,251, G>T on the plus strand (C>A on the coding strand, the complement: ANKRD1 is on the minus strand). VCF-style: chr10-90916251-G-T. GRCh37 (hg19) VCF-style: chr10-92676008-G-T.
Other names: short protein forms H191N.
Identifiers: ClinVar variation 2119749 (VCV002119749.4), dbSNP rs2492956816, ClinGen allele CA377550912.